The following is an entry in ClinVar:

ClinVar aggregate classification (germline): Uncertain significance (1 of 4 stars; one submission).

Conditions:
Bardet-Biedl syndrome (BBS). Identifiers: Orphanet 110, MedGen C0752166, MONDO:0015229.

Allele frequency attached by ClinVar (database versions not stated): gnomAD 0.00001; gnomAD exomes 0.00001.
gnomAD v4.1: 4 of 1,612,418 alleles (0.00025%); highest among the groups gnomAD compares: Non-Finnish European, 0.00034%; no homozygotes.

Submission:

Labcorp Genetics (formerly Invitae), Labcorp
Classification: Uncertain significance for Bardet-Biedl syndrome. Last evaluated: 2025-04-28. Review status: criteria provided, single submitter. Criteria: Invitae Variant Classification Sherloc (09022015). Collection method: clinical testing. Allele origin: germline.
Comment: This sequence change replaces glutamic acid, which is acidic and polar, with alanine, which is neutral and non-polar, at codon 701 of the WDPCP protein (p.Glu701Ala). This variant is not present in population databases (gnomAD no frequency). This variant has not been reported in the literature in individuals affected with WDPCP-related conditions. ClinVar contains an entry for this variant (Variation ID: 2142268). An algorithm developed to predict the effect of missense changes on protein structure and function (PolyPhen-2) suggests that this variant is likely to be tolerated. In summary, the available evidence is currently insufficient to determine the role of this variant in disease. Therefore, it has been classified as a Variant of Uncertain Significance.

NM_015910.7(WDPCP):c.2102A>C (p.Glu701Ala)

Gene: WDPCP (WD repeat containing planar cell polarity effector; minus strand). Cytogenetic location: 2p15.
Variant type: single nucleotide variant.
Coding change: c.2102A>C on transcript NM_015910.7 (MANE Select); coding-DNA position 2102, A replaced by C.
Protein change: p.Glu701Ala; replaces glutamic acid 701 with alanine.
Molecular consequence: missense variant. On other transcripts: non-coding transcript variant (3).
Genome position (GRCh38, 1-based): chr2:63,153,551, T>G on the plus strand (A>C on the coding strand, the complement: WDPCP is on the minus strand). VCF-style: chr2-63153551-T-G. GRCh37 (hg19) VCF-style: chr2-63380686-T-G.
Other names: c.1625A>C, p.Glu542Ala (NM_001042692.3); c.2030A>C, p.Glu677Ala (NM_001354044.2); short protein forms E677A, E542A, E701A.
Identifiers: ClinVar variation 2142268 (VCV002142268.4), dbSNP rs1672024751, ClinGen allele CA347061294.